The following is an entry in ClinVar:

NM_000275.3(OCA2):c.1785-7C>G

Gene: OCA2 (OCA2 melanosomal transmembrane protein; minus strand). Cytogenetic location: 15q13.1.
Variant type: single nucleotide variant.
Coding change: c.1785-7C>G on transcript NM_000275.3 (MANE Select); 7 bases into the intron before coding-DNA position 1785, C replaced by G.
Molecular consequence: intron variant.
Genome position (GRCh38, 1-based): chr15:27,955,222, G>C on the plus strand (C>G on the coding strand, the complement: OCA2 is on the minus strand). VCF-style: chr15-27955222-G-C. GRCh37 (hg19) VCF-style: chr15-28200368-G-C.
Other names: c.1713-7C>G (NM_001300984.2).
Identifiers: ClinVar variation 315463 (VCV000315463.20), dbSNP rs375281082, ClinGen allele CA7438901.

ClinVar aggregate classification (germline): Conflicting classifications of pathogenicity. Review status: criteria provided, conflicting classifications (1 of 4 stars). 5 submissions from 5 submitters: Uncertain significance (1); Likely benign (3). 1 of the submissions does not count toward it. Last evaluated 2026-01-22.

Conditions:
OCA2-related disorder. Also called: OCA2-related condition.
Tyrosinase-positive oculocutaneous albinism (OCA2). Also called: Oculocutaneous albinism type 2; ALBINISM II; Albinism, oculocutaneous, type II. Identifiers: Orphanet 79432, MedGen C0268495, MONDO:0008746, OMIM 203200.

Allele frequency attached by ClinVar (database versions not stated): TOPMed 0.00006; gnomAD 0.00011; ESP Exome Variant Server 0.00015.
gnomAD v4.1: 270 of 1,597,878 alleles (0.017%); highest among the groups gnomAD compares: Non-Finnish European, 0.022%; no homozygotes.

Submissions (6):

Labcorp Genetics (formerly Invitae), Labcorp
Classification: Likely benign. Last evaluated: 2026-01-22. Review status: criteria provided, single submitter. Criteria: Invitae Variant Classification Sherloc (09022015). Collection method: clinical testing. Allele origin: germline.

Blueprint Genetics
Classification: Likely benign. Last evaluated: 2024-08-29. Review status: criteria provided, single submitter. Criteria: ACMG Guidelines, 2015. Collection method: clinical testing. Allele origin: germline.

Genome-Nilou Lab
Classification: Likely benign for Tyrosinase-positive oculocutaneous albinism. Last evaluated: 2021-11-07. Review status: criteria provided, single submitter. Criteria: ACMG Guidelines, 2015. Collection method: clinical testing. Allele origin: germline. Affected: no.

Illumina Laboratory Services, Illumina
Classification: Uncertain significance for Tyrosinase-positive oculocutaneous albinism. Last evaluated: 2018-01-12. Review status: criteria provided, single submitter. Criteria: ICSL Variant Classification Criteria 13 December 2019. Collection method: clinical testing. Allele origin: germline.

PreventionGenetics, part of Exact Sciences
Classification: Likely benign for OCA2-related condition. Last evaluated: 2019-04-10. Review status: no assertion criteria provided. Collection method: clinical testing. Allele origin: germline. Not counted in ClinVar's aggregate classification.
Comment: This variant is classified as likely benign based on ACMG/AMP sequence variant interpretation guidelines (Richards et al. 2015 PMID: 25741868, with internal and published modifications).

Dr. Peter K. Rogan Lab, Western University
No classification provided (evidence only). Condition: Clear cell carcinoma of kidney. Review status: no classification provided. Collection method: in vitro. Allele origin: not applicable. Functional consequence: retained intron. Not counted in ClinVar's aggregate classification.